The following is an entry in ClinVar:

ClinVar aggregate classification (germline): Uncertain significance. Review status: criteria provided, multiple submitters, no conflicts (2 of 4 stars). 2 submissions from 2 submitters: Uncertain significance (2). Last evaluated 2022-06-18.

Conditions:
Inborn genetic diseases. Identifiers: MedGen C0950123, MeSH D030342.

Allele frequency attached by ClinVar (database versions not stated): TOPMed below 0.00001.
gnomAD v4.1: 4 of 1,612,876 alleles (0.00025%); highest among the groups gnomAD compares: African/African-American, 0.004%; no homozygotes.

Submissions (2):

Labcorp Genetics (formerly Invitae), Labcorp
Classification: Uncertain significance. Last evaluated: 2022-06-18. Review status: criteria provided, single submitter. Criteria: Invitae Variant Classification Sherloc (09022015). Collection method: clinical testing. Allele origin: germline.
Comment: Algorithms developed to predict the effect of missense changes on protein structure and function output the following: SIFT: "Tolerated"; PolyPhen-2: "Benign"; Align-GVGD: "Class C0". The threonine amino acid residue is found in multiple mammalian species, which suggests that this missense change does not adversely affect protein function. This sequence change replaces alanine, which is neutral and non-polar, with threonine, which is neutral and polar, at codon 141 of the FGFR3 protein (p.Ala141Thr). This variant is not present in population databases (gnomAD no frequency). This variant has not been reported in the literature in individuals affected with FGFR3-related conditions. In summary, the available evidence is currently insufficient to determine the role of this variant in disease. Therefore, it has been classified as a Variant of Uncertain Significance.

Ambry Genetics
Classification: Uncertain significance for Inborn genetic diseases. Last evaluated: 2021-10-12. Review status: criteria provided, single submitter. Criteria: Ambry Variant Classification Scheme 2023. Collection method: clinical testing. Allele origin: germline.

NM_000142.5(FGFR3):c.421G>A (p.Ala141Thr)

Gene: FGFR3 (fibroblast growth factor receptor 3; plus strand). Cytogenetic location: 4p16.3.
Variant type: single nucleotide variant.
Coding change: c.421G>A on transcript NM_000142.5 (MANE Select); coding-DNA position 421, G replaced by A.
Protein change: p.Ala141Thr; replaces alanine 141 with threonine.
Molecular consequence: missense variant. On other transcripts: non-coding transcript variant (1).
Genome position (GRCh38, 1-based): chr4:1,799,788, G>A. VCF-style: chr4-1799788-G-A. GRCh37 (hg19) VCF-style: chr4-1801515-G-A.
Other names: c.421G>A, p.Ala141Thr (NM_001163213.2, NM_001354809.2, NM_001354810.2 and 1 more transcripts); short protein forms A141T.
Identifiers: ClinVar variation 1938882 (VCV001938882.6), dbSNP rs1403627710, ClinGen allele CA355973623.